The following is an entry in ClinVar:

ClinVar aggregate classification (germline): Likely benign (1 of 4 stars; one submission).

Allele frequency attached by ClinVar (database versions not stated): gnomAD 0.00013; ESP Exome Variant Server 0.00016; TOPMed 0.00016; ExAC 0.00029.
gnomAD v4.1: 264 of 1,612,896 alleles (0.016%); highest among the groups gnomAD compares: Middle Eastern, 0.033%; no homozygotes.

Submission:

CeGaT Center for Human Genetics Tuebingen
Classification: Likely benign. Last evaluated: 2024-01-01. Review status: criteria provided, single submitter. Criteria: CeGaT Center For Human Genetics Tuebingen Variant Classification Criteria Version 2. Collection method: clinical testing. Allele origin: germline. Affected: yes. Observed: 2 variant alleles.
Comment: AHNAK2: BP4, BP7

NM_138420.4(AHNAK2):c.2124C>T (p.Asp708=)

Gene: AHNAK2 (AHNAK nucleoprotein 2; minus strand). Cytogenetic location: 14q32.33.
Variant type: single nucleotide variant.
Coding change: c.2124C>T on transcript NM_138420.4 (MANE Select); coding-DNA position 2124, C replaced by T.
Protein change: p.Asp708=; no amino-acid change (aspartic acid 708 retained).
Molecular consequence: synonymous variant.
Genome position (GRCh38, 1-based): chr14:104,953,327, G>A on the plus strand (C>T on the coding strand, the complement: AHNAK2 is on the minus strand). VCF-style: chr14-104953327-G-A. GRCh37 (hg19) VCF-style: chr14-105419664-G-A.
Other names: c.1824C>T, p.Asp608= (NM_001350929.2).
Identifiers: ClinVar variation 2644885 (VCV002644885.24), dbSNP rs371990514, ClinGen allele CA7383634.
Genomic context (GRCh38, chr14:104,953,327, plus strand): 5'-AGGGGTCTGGACGCTGAGGTCAGTGGTCTTGAGGTCCCCCTGCATGGAGAGGAGGCTCAC[G>A]TCGGCCTCCACCTTCGGCGCAGACACATCCACCGAGGCCTCCATGGACTTGCCTGGGGCT-3'
Protein context (NP_612429.2, residues 698-718): VDVSAPKVEA[Asp708=]VSLLSMQGDL